The following is an entry in ClinVar:

NM_003073.5(SMARCB1):c.632A>T (p.Lys211Met)

Gene: SMARCB1 (SWI/SNF related BAF chromatin remodeling complex subunit B1; plus strand). Cytogenetic location: 22q11.23.
Variant type: single nucleotide variant.
Coding change: c.632A>T on transcript NM_003073.5 (MANE Select); coding-DNA position 632, A replaced by T.
Protein change: p.Lys211Met; replaces lysine 211 with methionine.
Molecular consequence: missense variant.
Genome position (GRCh38, 1-based): chr22:23,816,773, A>T. VCF-style: chr22-23816773-A-T. GRCh37 (hg19) VCF-style: chr22-24158960-A-T.
Other names: c.605A>T, p.Lys202Met (NM_001007468.3); c.659A>T, p.Lys220Met (NM_001317946.2); c.686A>T, p.Lys229Met (NM_001362877.2); short protein forms K202M, K211M, K220M, K229M.
Identifiers: ClinVar variation 4170251 (VCV004170251.1).

ClinVar aggregate classification (germline): Uncertain significance (1 of 4 stars; one submission).

Conditions:
Hereditary cancer-predisposing syndrome. Also called: Neoplastic Syndromes, Hereditary; Tumor predisposition; Hereditary Cancer Syndrome; Hereditary neoplastic syndrome. Identifiers: Orphanet 140162, MedGen C0027672, MeSH D009386, MONDO:0015356.

Submission:

Ambry Genetics
Classification: Uncertain significance for Hereditary cancer-predisposing syndrome. Last evaluated: 2025-08-28. Review status: criteria provided, single submitter. Criteria: Ambry Variant Classification Scheme 2023. Collection method: clinical testing. Allele origin: germline.
Comment: The p.K211M variant (also known as c.632A>T), located in coding exon 6 of the SMARCB1 gene, results from an A to T substitution at nucleotide position 632. The lysine at codon 211 is replaced by methionine, an amino acid with similar properties. This amino acid position is conserved. In addition, this alteration is predicted to be deleterious by in silico analysis. Based on the available evidence, the clinical significance of this variant remains unclear.